The following is an entry in ClinVar:

ClinVar aggregate classification (germline): Uncertain significance. Review status: criteria provided, multiple submitters, no conflicts (2 of 4 stars). 2 submissions from 2 submitters: Uncertain significance (2). Last evaluated 2025-01-20.

Conditions:
Gastrointestinal stromal tumor. Also called: Gastrointestinal stroma tumor; Gastrointestinal stromal tumor, somatic. Identifiers: Orphanet 44890, MedGen C0238198, MeSH D046152, MONDO:0011719, OMIM 606764, HP:0100723.
Hereditary cancer-predisposing syndrome. Also called: Hereditary neoplastic syndrome; Tumor predisposition; Hereditary Cancer Syndrome; Neoplastic Syndromes, Hereditary. Identifiers: Orphanet 140162, MedGen C0027672, MeSH D009386, MONDO:0015356.

Allele frequency attached by ClinVar (database versions not stated): gnomAD exomes below 0.00001; TOPMed below 0.00001; gnomAD 0.00001.
gnomAD v4.1: 2 of 1,614,026 alleles (0.00012%); highest among the groups gnomAD compares: Non-Finnish European, 0.00017%; no homozygotes.

Submissions (2):

Ambry Genetics
Classification: Uncertain significance for Hereditary cancer-predisposing syndrome. Last evaluated: 2025-01-20. Review status: criteria provided, single submitter. Criteria: Ambry Variant Classification Scheme 2023. Collection method: clinical testing. Allele origin: germline.
Comment: The p.G51D variant (also known as c.152G>A), located in coding exon 2 of the KIT gene, results from a G to A substitution at nucleotide position 152. The glycine at codon 51 is replaced by aspartic acid, an amino acid with similar properties. This amino acid position is highly conserved in available vertebrate species. In addition, the in silico prediction for this alteration is inconclusive. Based on the available evidence, the clinical significance of this variant remains unclear.

Labcorp Genetics (formerly Invitae), Labcorp
Classification: Uncertain significance for Gastrointestinal stromal tumor. Last evaluated: 2024-10-21. Review status: criteria provided, single submitter. Criteria: Invitae Variant Classification Sherloc (09022015). Collection method: clinical testing. Allele origin: germline.
Comment: This sequence change replaces glycine, which is neutral and non-polar, with aspartic acid, which is acidic and polar, at codon 51 of the KIT protein (p.Gly51Asp). This variant is not present in population databases (gnomAD no frequency). This variant has not been reported in the literature in individuals affected with KIT-related conditions. ClinVar contains an entry for this variant (Variation ID: 1437115). An algorithm developed to predict the effect of missense changes on protein structure and function (PolyPhen-2) suggests that this variant is likely to be disruptive. In summary, the available evidence is currently insufficient to determine the role of this variant in disease. Therefore, it has been classified as a Variant of Uncertain Significance.

NM_000222.3(KIT):c.152G>A (p.Gly51Asp)

Gene: KIT (KIT proto-oncogene, receptor tyrosine kinase; plus strand). Cytogenetic location: 4q12.
Variant type: single nucleotide variant.
Coding change: c.152G>A on transcript NM_000222.3 (MANE Select); coding-DNA position 152, G replaced by A.
Protein change: p.Gly51Asp; replaces glycine 51 with aspartic acid.
Molecular consequence: missense variant.
Genome position (GRCh38, 1-based): chr4:54,695,596, G>A. VCF-style: chr4-54695596-G-A. GRCh37 (hg19) VCF-style: chr4-55561762-G-A.
Other names: c.152G>A (NM_000222.2); c.152G>A, p.Gly51Asp (NM_001093772.2, NM_001385284.1, NM_001385285.1 and 4 more transcripts); short protein forms G51D.
Identifiers: ClinVar variation 1437115 (VCV001437115.9), dbSNP rs1404387908, ClinGen allele CA356896941.